The following is an entry in ClinVar:

NM_001291867.2(NHS):c.4223-3A>C

Gene: NHS (NHS actin remodeling regulator; plus strand). Cytogenetic location: Xp22.13.
Variant type: single nucleotide variant.
Coding change: c.4223-3A>C on transcript NM_001291867.2 (MANE Select); 3 bases into the intron before coding-DNA position 4223, A replaced by C.
Molecular consequence: intron variant.
Genome position (GRCh38, 1-based): chrX:17,728,646, A>C. VCF-style: chrX-17728646-A-C. GRCh37 (hg19) VCF-style: chrX-17746766-A-C.
Other names: c.4160-3A>C (NM_198270.4); c.3692-3A>C (NM_001136024.4); c.3629-3A>C (NM_001291868.2); c.3884-3A>C (NM_001440780.1).
Identifiers: ClinVar variation 4983743 (VCV004983743.1).
Genomic context (GRCh38, chrX:17,728,646, plus strand): 5'-CAGTGAAGTACAGTAGCGTGCTGGGTAACTTCCTCTTAAAGATTCTTCTGTTCTTATTTT[A>C]AGAATCATCACCGAGTGATGACTCCATCATTTCACCACTTAGTGAAGACTCCCAAGCTGA-3'

ClinVar aggregate classification (germline): Likely benign (1 of 4 stars; one submission).

Conditions:
NHS-related disorder. Also called: NHS-related condition.

Submission:

PreventionGenetics, part of Exact Sciences
Classification: Likely benign for NHS-related condition. Last evaluated: 2025-01-21. Review status: criteria provided, single submitter. Criteria: ACMG Guidelines, 2015. Collection method: clinical testing. Allele origin: germline.
Comment: This variant is classified as likely benign based on ACMG/AMP sequence variant interpretation guidelines (Richards et al. 2015 PMID: 25741868, with internal and published modifications).